The following is an entry in ClinVar:

ClinVar aggregate classification (germline): Uncertain significance (1 of 4 stars; one submission).

Conditions:
PKHD1-related disorder. Also called: PKHD1-related condition.

gnomAD v4.1: 1 of 1,614,064 alleles (0.000062%); highest among the groups gnomAD compares: East Asian, 0.0022%; no homozygotes.

Submission:

PreventionGenetics, part of Exact Sciences
Classification: Uncertain significance for PKHD1-related condition. Last evaluated: 2025-05-19. Review status: criteria provided, single submitter. Criteria: ACMG Guidelines, 2015. Collection method: clinical testing. Allele origin: germline.
Comment: The PKHD1 c.1343G>A variant is predicted to result in the amino acid substitution p.Gly448Asp. To our knowledge, this variant has not been reported in the literature or in a large population database (gnomAD), indicating this variant is rare. At this time, the clinical significance of this variant is uncertain due to the absence of conclusive functional and genetic evidence.

NM_138694.4(PKHD1):c.1343G>A (p.Gly448Asp)

Gene: PKHD1 (PKHD1 ciliary IPT domain containing fibrocystin/polyductin; minus strand). Cytogenetic location: 6p12.2.
Variant type: single nucleotide variant.
Coding change: c.1343G>A on transcript NM_138694.4 (MANE Select); coding-DNA position 1343, G replaced by A.
Protein change: p.Gly448Asp; replaces glycine 448 with aspartic acid.
Molecular consequence: missense variant.
Genome position (GRCh38, 1-based): chr6:52,058,492, C>T on the plus strand (G>A on the coding strand, the complement: PKHD1 is on the minus strand). VCF-style: chr6-52058492-C-T. GRCh37 (hg19) VCF-style: chr6-51923290-C-T.
Other names: c.1343G>A, p.Gly448Asp (NM_170724.3); short protein forms G448D.
Identifiers: ClinVar variation 5001594 (VCV005001594.1).